The following is an entry in ClinVar:

NM_006206.6(PDGFRA):c.1319C>G (p.Thr440Arg)

Gene: PDGFRA (platelet derived growth factor receptor alpha; plus strand). Cytogenetic location: 4q12.
Variant type: single nucleotide variant.
Coding change: c.1319C>G on transcript NM_006206.6 (MANE Select); coding-DNA position 1319, C replaced by G.
Protein change: p.Thr440Arg; replaces threonine 440 with arginine.
Molecular consequence: missense variant.
Genome position (GRCh38, 1-based): chr4:54,272,475, C>G. VCF-style: chr4-54272475-C-G. GRCh37 (hg19) VCF-style: chr4-55138642-C-G.
Other names: c.1319C>G, p.Thr440Arg (NM_001347827.2, NM_001347829.2); c.1394C>G, p.Thr465Arg (NM_001347828.2); c.1358C>G, p.Thr453Arg (NM_001347830.2); short protein forms T440R, T465R, T453R.
Identifiers: ClinVar variation 3709281 (VCV003709281.2).
Genomic context (GRCh38, chr4:54,272,475, plus strand): 5'-TGGTCGATGATCACCATGGCTCAACTGGGGGACAGACGGTGAGGTGCACAGCTGAAGGCA[C>G]GCCGCTTCCTGATATTGAGTGGATGATATGCAAAGATATTAAGAAGTATGGAAAACAGAT-3'
Protein context (NP_006197.1, residues 430-450): GQTVRCTAEG[Thr440Arg]PLPDIEWMIC

ClinVar aggregate classification (germline): Uncertain significance (1 of 4 stars; one submission).

Conditions:
Gastrointestinal stromal tumor. Also called: Gastrointestinal stromal tumor, somatic; Gastrointestinal stroma tumor. Identifiers: Orphanet 44890, MedGen C0238198, MeSH D046152, MONDO:0011719, OMIM 606764, HP:0100723.

Submission:

Labcorp Genetics (formerly Invitae), Labcorp
Classification: Uncertain significance for Gastrointestinal stromal tumor. Last evaluated: 2024-09-24. Review status: criteria provided, single submitter. Criteria: Invitae Variant Classification Sherloc (09022015). Collection method: clinical testing. Allele origin: germline.
Comment: This sequence change replaces threonine, which is neutral and polar, with arginine, which is basic and polar, at codon 440 of the PDGFRA protein (p.Thr440Arg). This variant is not present in population databases (gnomAD no frequency). This variant has not been reported in the literature in individuals affected with PDGFRA-related conditions. Invitae Evidence Modeling of protein sequence and biophysical properties (such as structural, functional, and spatial information, amino acid conservation, physicochemical variation, residue mobility, and thermodynamic stability) indicates that this missense variant is not expected to disrupt PDGFRA protein function with a negative predictive value of 80%. In summary, the available evidence is currently insufficient to determine the role of this variant in disease. Therefore, it has been classified as a Variant of Uncertain Significance.